The following is an entry in ClinVar:

ClinVar aggregate classification (germline): Uncertain significance. Review status: criteria provided, multiple submitters, no conflicts (2 of 4 stars). 2 submissions from 2 submitters: Uncertain significance (2). Last evaluated 2025-09-26.

Conditions:
Primary ciliary dyskinesia. Also called: Ciliary dyskinesia. Identifiers: Orphanet 244, MedGen C0008780, MONDO:0016575, HP:0012265.

Allele frequency attached by ClinVar (database versions not stated): gnomAD exomes below 0.00001; gnomAD 0.00002; TOPMed 0.00003.
gnomAD v4.1: 4 of 1,613,968 alleles (0.00025%); highest among the groups gnomAD compares: Admixed American, 0.0067%; no homozygotes.

Submissions (2):

Ambry Genetics
Classification: Uncertain significance. Last evaluated: 2025-09-26. Review status: criteria provided, single submitter. Criteria: Ambry Variant Classification Scheme 2023. Collection method: clinical testing. Allele origin: germline.

Labcorp Genetics (formerly Invitae), Labcorp
Classification: Uncertain significance for Primary ciliary dyskinesia. Last evaluated: 2021-12-07. Review status: criteria provided, single submitter. Criteria: Invitae Variant Classification Sherloc (09022015). Collection method: clinical testing. Allele origin: germline.
Comment: This sequence change replaces isoleucine, which is neutral and non-polar, with phenylalanine, which is neutral and non-polar, at codon 3920 of the DNAH8 protein (p.Ile3920Phe). This variant is present in population databases (no rsID available, gnomAD 0.003%). This variant has not been reported in the literature in individuals affected with DNAH8-related conditions. Algorithms developed to predict the effect of missense changes on protein structure and function are either unavailable or do not agree on the potential impact of this missense change (SIFT: "Tolerated"; PolyPhen-2: "Not Available"; Align-GVGD: "Class C0"). In summary, the available evidence is currently insufficient to determine the role of this variant in disease. Therefore, it has been classified as a Variant of Uncertain Significance.

NM_001206927.2(DNAH8):c.11758A>T (p.Ile3920Phe)

Genes: DNAH8 (dynein axonemal heavy chain 8; plus strand), DNAH8-AS1 (DNAH8 antisense RNA 1; minus strand). Cytogenetic location: 6p21.2.
Variant type: single nucleotide variant.
Coding change: c.11758A>T on transcript NM_001206927.2 (MANE Select); coding-DNA position 11758, A replaced by T.
Protein change: p.Ile3920Phe; replaces isoleucine 3920 with phenylalanine.
Molecular consequence: missense variant.
Genome position (GRCh38, 1-based): chr6:38,938,168, A>T. VCF-style: chr6-38938168-A-T. GRCh37 (hg19) VCF-style: chr6-38905944-A-T.
Other names: c.11758A>T (NM_001206927.1); c.11107A>T, p.Ile3703Phe (NM_001371.4); short protein forms I3920F, I3703F.
Identifiers: ClinVar variation 2053320 (VCV002053320.3), dbSNP rs1184825620, ClinGen allele CA364021104.